The following is an entry in ClinVar:

ClinVar aggregate classification (germline): Uncertain significance. Review status: criteria provided, multiple submitters, no conflicts (2 of 4 stars). 2 submissions from 2 submitters: Uncertain significance (2). Last evaluated 2021-12-09.

Allele frequency attached by ClinVar (database versions not stated): gnomAD 0.00001; gnomAD exomes 0.00001; 1000 Genomes Project 30x 0.00016; 1000 Genomes Project 0.00020.
gnomAD v4.1: 5 of 1,614,074 alleles (0.00031%); no homozygotes.

Submissions (2):

Blueprint Genetics
Classification: Uncertain significance. Last evaluated: 2021-12-09. Review status: criteria provided, single submitter. Criteria: ACMG Guidelines, 2015. Collection method: clinical testing. Allele origin: germline.

Labcorp Genetics (formerly Invitae), Labcorp
Classification: Uncertain significance. Last evaluated: 2020-02-19. Review status: criteria provided, single submitter. Criteria: Invitae Variant Classification Sherloc (09022015). Collection method: clinical testing. Allele origin: germline.
Comment: This sequence change replaces glycine with aspartic acid at codon 101 of the RP1 protein (p.Gly101Asp). The glycine residue is highly conserved and there is a moderate physicochemical difference between glycine and aspartic acid. This variant is not present in population databases (ExAC no frequency). This variant has not been reported in the literature in individuals with RP1-related conditions. Algorithms developed to predict the effect of missense changes on protein structure and function (SIFT, PolyPhen-2, Align-GVGD) all suggest that this variant is likely to be disruptive, but these predictions have not been confirmed by published functional studies and their clinical significance is uncertain. In summary, the available evidence is currently insufficient to determine the role of this variant in disease. Therefore, it has been classified as a Variant of Uncertain Significance.

NM_006269.2(RP1):c.302G>A (p.Gly101Asp)

Gene: RP1 (RP1 axonemal microtubule associated; plus strand). Cytogenetic location: 8q12.1.
Variant type: single nucleotide variant.
Coding change: c.302G>A on transcript NM_006269.2 (MANE Select); coding-DNA position 302, G replaced by A.
Protein change: p.Gly101Asp; replaces glycine 101 with aspartic acid.
Molecular consequence: missense variant.
Genome position (GRCh38, 1-based): chr8:54,621,268, G>A. VCF-style: chr8-54621268-G-A. GRCh37 (hg19) VCF-style: chr8-55533828-G-A.
Other names: c.302G>A, p.Gly101Asp (NM_001375654.1); short protein forms G101D.
Identifiers: ClinVar variation 1007389 (VCV001007389.10), dbSNP rs200242872, ClinGen allele CA177234346.
Genomic context (GRCh38, chr8:54,621,268, plus strand): 5'-GGAACATCAGCACCCCTCGGGGCAGGCACAGCATCACGCGCCTGGAGGAGCTGGAGGACG[G>A]CGAGTCCTACCTATGTTCCCACGGCAGGAAGGTGCAGCCTGTAGACCTGGACAAAGCCCG-3'
Protein context (NP_006260.1, residues 91-111): SITRLEELED[Gly101Asp]ESYLCSHGRK